The following is an entry in ClinVar:

ClinVar aggregate classification (germline): Uncertain significance. Review status: criteria provided, single submitter (1 of 4 stars). 2 submissions from 2 submitters: Uncertain significance (1). 1 of the submissions does not count toward it. Last evaluated 2021-09-01.

Conditions:
BBS2-related disorder. Also called: BBS2-related disorders; BBS2-related condition. Identifiers: MedGen CN239228.
Bardet-Biedl syndrome (BBS). Identifiers: Orphanet 110, MedGen C0752166, MONDO:0015229.

Allele frequency attached by ClinVar (database versions not stated): TOPMed 0.00001.
gnomAD v4.1: 4 of 1,613,736 alleles (0.00025%); highest among the groups gnomAD compares: Admixed American, 0.0017%; no homozygotes.

Submissions (2):

Labcorp Genetics (formerly Invitae), Labcorp
Classification: Uncertain significance for Bardet-Biedl syndrome. Last evaluated: 2021-09-01. Review status: criteria provided, single submitter. Criteria: Invitae Variant Classification Sherloc (09022015). Collection method: clinical testing. Allele origin: germline.
Comment: This sequence change replaces arginine with proline at codon 403 of the BBS2 protein (p.Arg403Pro). The arginine residue is weakly conserved and there is a moderate physicochemical difference between arginine and proline. This variant is not present in population databases (ExAC no frequency). This variant has not been reported in the literature in individuals affected with BBS2-related conditions. Algorithms developed to predict the effect of missense changes on protein structure and function (SIFT, PolyPhen-2, Align-GVGD) all suggest that this variant is likely to be tolerated. In summary, the available evidence is currently insufficient to determine the role of this variant in disease. Therefore, it has been classified as a Variant of Uncertain Significance.

PreventionGenetics, part of Exact Sciences
Classification: Uncertain significance for BBS2-related condition. Last evaluated: 2024-05-29. Review status: no assertion criteria provided. Collection method: clinical testing. Allele origin: germline. Not counted in ClinVar's aggregate classification.
Comment: The BBS2 c.1208G>C variant is predicted to result in the amino acid substitution p.Arg403Pro. To our knowledge, this variant has not been reported in the literature. This variant is reported in 0.00088% of alleles in individuals of European (Non-Finnish) descent in gnomAD. At this time, the clinical significance of this variant is uncertain due to the absence of conclusive functional and genetic evidence.

NM_031885.5(BBS2):c.1208G>C (p.Arg403Pro)

Gene: BBS2 (Bardet-Biedl syndrome 2; minus strand). Cytogenetic location: 16q13.
Variant type: single nucleotide variant.
Coding change: c.1208G>C on transcript NM_031885.5 (MANE Select); coding-DNA position 1208, G replaced by C.
Protein change: p.Arg403Pro; replaces arginine 403 with proline.
Molecular consequence: missense variant. On other transcripts: non-coding transcript variant (5).
Genome position (GRCh38, 1-based): chr16:56,501,370, C>G on the plus strand (G>C on the coding strand, the complement: BBS2 is on the minus strand). VCF-style: chr16-56501370-C-G. GRCh37 (hg19) VCF-style: chr16-56535282-C-G.
Other names: c.1208G>C, p.Arg403Pro (NM_001377456.1); short protein forms R403P.
Identifiers: ClinVar variation 934740 (VCV000934740.5), dbSNP rs192007013, ClinGen allele CA395979856.